The following is an entry in ClinVar:

NM_033056.4(PCDH15):c.5790_5794del (p.Glu1931fs)

Gene: PCDH15 (protocadherin related 15; minus strand). Cytogenetic location: 10q21.1.
Variant type: Deletion.
Coding change: c.5790_5794del on transcript NM_033056.4 (MANE Plus Clinical); coding-DNA positions 5790 to 5794, 5 bases deleted (TGAAC; older notation c.5790_5794delTGAAC).
Protein change: p.Glu1931fs; shifts the reading frame from glutamic acid 1931.
Molecular consequence: frameshift variant. On other transcripts: intron variant (8).
Genome position (GRCh38, 1-based): chr10:53,821,932-53,821,936, GTTCA deleted on the plus strand (TGAAC on the coding strand, the reverse complement: PCDH15 is on the minus strand); deleting any 5 consecutive bases within chr10:53,821,932-53,821,937 gives the same sequence; the c. name uses the placement nearest the transcript's 3' end. VCF-style (leftmost placement, unchanged base first): chr10-53821931-TGTTCA-T. GRCh37 (hg19) VCF-style: chr10-55581691-TGTTCA-T.
Other names: c.5583_5587del, p.Glu1862fs (NM_001142765.2); c.5781_5785del, p.Glu1928fs (NM_001142766.2); c.5670_5674del, p.Glu1891fs (NM_001142767.2); c.5730_5734del, p.Glu1911fs (NM_001142768.2); c.5721_5725del, p.Glu1908fs (NM_001142773.2); c.5724_5728del, p.Glu1909fs (NM_001354404.2); c.4367+5457_4367+5461del (NM_001354420.2); c.4368-3923_4368-3919del (NM_001354429.2); and 7 more; short protein forms E1909fs, E1928fs, E1931fs, E1891fs, E1933fs, E1938fs, E1862fs, E1908fs.
Identifiers: ClinVar variation 4992388 (VCV004992388.1).

ClinVar aggregate classification (germline): Uncertain significance (1 of 4 stars; one submission).

Conditions:
PCDH15-related disorder. Also called: PCDH15-related condition; PCDH15-related disorders.

Submission:

PreventionGenetics, part of Exact Sciences
Classification: Uncertain significance for PCDH15-related condition. Last evaluated: 2026-02-24. Review status: criteria provided, single submitter. Criteria: ACMG Guidelines, 2015. Collection method: clinical testing. Allele origin: germline.
Comment: The PCDH15 c.5790_5794del5 variant is predicted to result in a frameshift and premature protein termination (p.Glu1931Lysfs*13). To our knowledge, this variant has not been reported in the literature or in a large population database (gnomAD), indicating this variant is rare. This variant occurs in the last exon of the PCDH15 alternatively spliced transcript known as CD1 (NM_033056), but this exon is not required for proper inner ear hair cell function and maintenance of hearing and is not included in the biologically relevant transcript for hearing loss known as CD2 (NM_001142769; Webb et al. 2011. PubMed ID: 21427143; Pepermans et al. 2014. PubMed ID: 24940003). Furthermore, loss of function variants in this exon of CD1 have been shown to occur at population frequencies inconsistent with pathogenicity (Perreault-Micale et al. 2014. PubMed ID: 25307757). Although we suspect that this variant may be benign, at this time, the clinical significance of this variant is uncertain due to the absence of conclusive functional and genetic evidence.